The following is an entry in ClinVar:

ClinVar aggregate classification (germline): Benign (1 of 4 stars; one submission).

Allele frequency attached by ClinVar (database versions not stated): gnomAD 0.27934 and 0.28522; TOPMed 0.29997; 1000 Genomes Project 30x 0.42817; 1000 Genomes Project 0.43331.
gnomAD v4.1: 43,153 of 151,914 alleles (28%); highest among the groups gnomAD compares: East Asian, 60%; 8,549 homozygotes.

Submission:

GeneDx
Classification: Benign. Last evaluated: 2019-01-18. Review status: criteria provided, single submitter. Criteria: GeneDx Variant Classification Process June 2021. Collection method: clinical testing. Allele origin: germline. Affected: yes.
Comment: This variant is associated with the following publications: (PMID: 24655566, 21833088, 30006149)

NM_001779.3(CD58):c.70+12568T>C

Gene: CD58 (CD58 molecule; minus strand). Cytogenetic location: 1p13.1.
Variant type: single nucleotide variant.
Coding change: c.70+12568T>C on transcript NM_001779.3 (MANE Select); 12568 bases into the intron after coding-DNA position 70, T replaced by C.
Molecular consequence: intron variant.
Genome position (GRCh38, 1-based): chr1:116,558,335, A>G on the plus strand (T>C on the coding strand, the complement: CD58 is on the minus strand). VCF-style: chr1-116558335-A-G. GRCh37 (hg19) VCF-style: chr1-117100957-A-G.
Other names: c.70+12568T>C (NM_001144822.2).
Identifiers: ClinVar variation 1267351 (VCV001267351.2), dbSNP rs1335532, ClinGen allele CA29692607.